The following is an entry in ClinVar:

NM_138694.4(PKHD1):c.10648G>T (p.Glu3550Ter)

Gene: PKHD1 (PKHD1 ciliary IPT domain containing fibrocystin/polyductin; minus strand). Cytogenetic location: 6p12.3.
Variant type: single nucleotide variant.
Coding change: c.10648G>T on transcript NM_138694.4 (MANE Select); coding-DNA position 10648, G replaced by T.
Protein change: p.Glu3550Ter; replaces glutamic acid 3550 with a stop codon.
Molecular consequence: nonsense.
Genome position (GRCh38, 1-based): chr6:51,659,478, C>A on the plus strand (G>T on the coding strand, the complement: PKHD1 is on the minus strand). VCF-style: chr6-51659478-C-A. GRCh37 (hg19) VCF-style: chr6-51524276-C-A.
Other names: short protein forms E3550*.
Identifiers: ClinVar variation 4816542 (VCV004816542.1).

ClinVar aggregate classification (germline): Likely pathogenic (1 of 4 stars; one submission).

Conditions:
Autosomal recessive polycystic kidney disease (ARPKD). Also called: AR polycystic kidney disease. Identifiers: Orphanet 731, Orphanet 8378, MedGen C0085548, MeSH D017044, MONDO:0009889.

Submission:

Natera, Inc.
Classification: Likely pathogenic for Autosomal recessive polycystic kidney disease. Last evaluated: 2025-06-24. Review status: criteria provided, single submitter. Criteria: Natera Variant Classification Schema (03/2026). Collection method: clinical testing. Allele origin: germline.
Comment: The c.10648G>T variant in PKHD1 is a nonsense variant predicted to introduce a stop codon at amino acid 3550. This variant is expected to result in nonsense mediated decay, truncation, or a dysfunctional protein product. This variant is rare in the general population with a frequency below the threshold expected for the associated phenotype(s). Given the available evidence, this variant is classified as Likely Pathogenic.